The following is an entry in ClinVar:

NM_003640.5(ELP1):c.2736+3A>G

Gene: ELP1 (elongator acetyltransferase complex subunit 1; minus strand). Cytogenetic location: 9q31.3.
Variant type: single nucleotide variant.
Coding change: c.2736+3A>G on transcript NM_003640.5 (MANE Select); 3 bases into the intron after coding-DNA position 2736, A replaced by G.
Molecular consequence: intron variant.
Genome position (GRCh38, 1-based): chr9:108,896,493, T>C on the plus strand (A>G on the coding strand, the complement: ELP1 is on the minus strand). VCF-style: chr9-108896493-T-C. GRCh37 (hg19) VCF-style: chr9-111658773-T-C.
Other names: c.2394+3A>G (NM_001318360.2); c.1689+3A>G (NM_001330749.2).
Identifiers: ClinVar variation 2023690 (VCV002023690.3), dbSNP rs2537888993, ClinGen allele CA2579411491.

ClinVar aggregate classification (germline): Uncertain significance (1 of 4 stars; one submission).

Allele frequency attached by ClinVar (database versions not stated): gnomAD exomes below 0.00001.
gnomAD v4.1: 1 of 1,613,944 alleles (0.000062%); highest among the groups gnomAD compares: Non-Finnish European, 0.000085%; no homozygotes.

Submission:

Labcorp Genetics (formerly Invitae), Labcorp
Classification: Uncertain significance. Last evaluated: 2024-05-06. Review status: criteria provided, single submitter. Criteria: Invitae Variant Classification Sherloc (09022015). Collection method: clinical testing. Allele origin: germline.
Comment: This sequence change falls in intron 25 of the ELP1 gene. It does not directly change the encoded amino acid sequence of the ELP1 protein. It affects a nucleotide within the consensus splice site. This variant is not present in population databases (gnomAD no frequency). This variant has not been reported in the literature in individuals affected with ELP1-related conditions. ClinVar contains an entry for this variant (Variation ID: 2023690). Variants that disrupt the consensus splice site are a relatively common cause of aberrant splicing (PMID: 17576681, 9536098). Algorithms developed to predict the effect of sequence changes on RNA splicing suggest that this variant is not likely to affect RNA splicing. In summary, the available evidence is currently insufficient to determine the role of this variant in disease. Therefore, it has been classified as a Variant of Uncertain Significance.

Literature cited by the submitters: PubMed 17576681; PubMed 9536098.